The following is an entry in ClinVar:

NM_001377458.1(CLCC1):c.1244C>T (p.Thr415Met)

Gene: CLCC1 (chloride channel CLIC like 1; minus strand). Cytogenetic location: 1p13.3.
Variant type: single nucleotide variant.
Coding change: c.1244C>T on transcript NM_001377458.1 (MANE Select); coding-DNA position 1244, C replaced by T.
Protein change: p.Thr415Met; replaces threonine 415 with methionine.
Molecular consequence: missense variant. On other transcripts: non-coding transcript variant (1).
Genome position (GRCh38, 1-based): chr1:108,937,216, G>A on the plus strand (C>T on the coding strand, the complement: CLCC1 is on the minus strand). VCF-style: chr1-108937216-G-A. GRCh37 (hg19) VCF-style: chr1-109479838-G-A.
Other names: c.1244C>T, p.Thr415Met (NM_001048210.3, NM_001377459.1, NM_001377460.1 and 8 more transcripts); c.881C>T, p.Thr294Met (NM_001278202.2); c.689C>T, p.Thr230Met (NM_001278203.1); c.1142C>T, p.Thr381Met (NM_001377469.1); c.953C>T, p.Thr318Met (NM_001377470.1); c.1094C>T, p.Thr365Met (NM_015127.5); c.1244C>T (NM_001048210.1); short protein forms T415M, T294M, T381M, T230M, T318M, T365M.
Identifiers: ClinVar variation 1045514 (VCV001045514.7), dbSNP rs759574194, ClinGen allele CA983372.
Genomic context (GRCh38, chr1:108,937,216, plus strand): 5'-CCAGTCTGAAATCTCAAGTCAACATCTCTCTCTCTCAAAATCTCTCTTCTACCCTCATAC[G>A]TTTTGGCATAAGGGCCTTGCTCAGTGGGGCCCATTTGGCCCCTATAATGGAAATCGGCAT-3'
Protein context (NP_001364387.1, residues 405-425): GPTEQGPYAK[Thr415Met]YEGRREILRE

ClinVar aggregate classification (germline): Uncertain significance. Review status: criteria provided, multiple submitters, no conflicts (2 of 4 stars). 2 submissions from 2 submitters: Uncertain significance (2). Last evaluated 2024-12-16.

Allele frequency attached by ClinVar (database versions not stated): gnomAD 0.00001; gnomAD exomes 0.00001 and 0.00003; ExAC 0.00002; TOPMed 0.00003.
gnomAD v4.1: 16 of 1,612,524 alleles (0.00099%); highest among the groups gnomAD compares: East Asian, 0.0089%; no homozygotes.

Submissions (2):

Labcorp Genetics (formerly Invitae), Labcorp
Classification: Uncertain significance. Last evaluated: 2024-12-16. Review status: criteria provided, single submitter. Criteria: Invitae Variant Classification Sherloc (09022015). Collection method: clinical testing. Allele origin: germline.
Comment: This sequence change replaces threonine, which is neutral and polar, with methionine, which is neutral and non-polar, at codon 415 of the CLCC1 protein (p.Thr415Met). This variant is present in population databases (rs759574194, gnomAD 0.01%). This variant has not been reported in the literature in individuals affected with CLCC1-related conditions. ClinVar contains an entry for this variant (Variation ID: 1045514). An algorithm developed to predict the effect of missense changes on protein structure and function outputs the following: PolyPhen-2: "Benign". The methionine amino acid residue is found in multiple mammalian species, which suggests that this missense change does not adversely affect protein function. In summary, the available evidence is currently insufficient to determine the role of this variant in disease. Therefore, it has been classified as a Variant of Uncertain Significance.

Ambry Genetics
Classification: Uncertain significance. Last evaluated: 2023-10-10. Review status: criteria provided, single submitter. Criteria: Ambry Variant Classification Scheme 2023. Collection method: clinical testing. Allele origin: germline.